The following is an entry in ClinVar:

NM_030912.3(TRIM8):c.1649C>G (p.Thr550Arg)

Gene: TRIM8 (tripartite motif containing 8; plus strand). Cytogenetic location: 10q24.32.
Variant type: single nucleotide variant.
Coding change: c.1649C>G on transcript NM_030912.3 (MANE Select); coding-DNA position 1649, C replaced by G.
Protein change: p.Thr550Arg; replaces threonine 550 with arginine.
Molecular consequence: missense variant. On other transcripts: non-coding transcript variant (1).
Genome position (GRCh38, 1-based): chr10:102,657,347, C>G. VCF-style: chr10-102657347-C-G. GRCh37 (hg19) VCF-style: chr10-104417104-C-G.
Other names: c.1553C>G, p.Thr518Arg (NM_001345950.1); short protein forms T518R, T550R.
Identifiers: ClinVar variation 2901769 (VCV002901769.3), dbSNP rs1480649651, ClinGen allele CA377933655.
Genomic context (GRCh38, chr10:102,657,347, plus strand): 5'-AGCCCGGCCACCAGGATTTCTACAGGGTGTATGGGCAGCCGTCCACCAAACACTACGTGA[C>G]GAGCTAACGCCACGCAGGCGGCGGGGCGCTGGGGAATCTTCCTCCCCAGCCCCCGGGCTC-3'
Protein context (NP_112174.2, residues 540-551): YGQPSTKHYV[Thr550Arg]S

ClinVar aggregate classification (germline): Uncertain significance (1 of 4 stars; one submission).

Allele frequency attached by ClinVar (database versions not stated): gnomAD 0.00009; TOPMed 0.00005.
gnomAD v4.1: 24 of 1,566,266 alleles (0.0015%); highest among the groups gnomAD compares: Admixed American, 0.033%; no homozygotes.

Submission:

Labcorp Genetics (formerly Invitae), Labcorp
Classification: Uncertain significance. Last evaluated: 2025-10-17. Review status: criteria provided, single submitter. Criteria: Invitae Variant Classification Sherloc (09022015). Collection method: clinical testing. Allele origin: germline.
Comment: This sequence change replaces threonine, which is neutral and polar, with arginine, which is basic and polar, at codon 550 of the TRIM8 protein (p.Thr550Arg). This variant is present in population databases (no rsID available, gnomAD 0.02%). This variant has not been reported in the literature in individuals affected with TRIM8-related conditions. ClinVar contains an entry for this variant (Variation ID: 2901769). An algorithm developed to predict the effect of missense changes on protein structure and function (PolyPhen-2) suggests that this variant is likely to be disruptive. Algorithms developed to predict the effect of sequence changes on RNA splicing suggest that this variant may create or strengthen a splice site. In summary, the available evidence is currently insufficient to determine the role of this variant in disease. Therefore, it has been classified as a Variant of Uncertain Significance.